The following is an entry in ClinVar:

NM_000545.8(HNF1A):c.47T>C (p.Leu16Pro)

Gene: HNF1A (HNF1 homeobox A; plus strand). Cytogenetic location: 12q24.31.
Variant type: single nucleotide variant.
Coding change: c.47T>C on transcript NM_000545.8 (MANE Select); coding-DNA position 47, T replaced by C.
Protein change: p.Leu16Pro; replaces leucine 16 with proline.
Molecular consequence: missense variant.
Genome position (GRCh38, 1-based): chr12:120,978,815, T>C. VCF-style: chr12-120978815-T-C. GRCh37 (hg19) VCF-style: chr12-121416618-T-C.
Other names: NM_001306179.2:c.47T>C; c.47T>C, p.Leu16Pro (NM_001306179.2); short protein forms L16P.
Identifiers: ClinVar variation 1675055 (VCV001675055.4), dbSNP rs2135819448, ClinGen allele CA386952505.
Genomic context (GRCh38, chr12:120,978,815, plus strand): 5'-GTGGCAGCCGAGCCATGGTTTCTAAACTGAGCCAGCTGCAGACGGAGCTCCTGGCGGCCC[T>C]GCTCGAGTCAGGGCTGAGCAAAGAGGCACTGATCCAGGCACTGGGTGAGCCGGGGCCCTA-3'
Protein context (NP_000536.6, residues 6-26): SQLQTELLAA[Leu16Pro]LESGLSKEAL

ClinVar aggregate classification (germline): Uncertain significance (3 of 4 stars; one submission).

Conditions:
Monogenic diabetes. Identifiers: Orphanet 183625, MedGen C3888631, MONDO:0015967.

Submission:

ClinGen Monogenic Diabetes Variant Curation Expert Panel
Classification: Uncertain significance for Monogenic diabetes. Last evaluated: 2025-06-09. Review status: reviewed by expert panel. Criteria: ClinGen Diabetes ACMG Specifications HNF1A V2.1.0. Collection method: curation. Allele origin: germline. Inheritance: Autosomal dominant inheritance.
Comment: The c.47T>C variant in the HNF1 homeobox A gene, HNF1A, causes an amino acid change of leucine to proline at codon 16 (p.(Leu16Pro)) of NM_000545.8. This variant is located within the DNA dimerization domain (codons 1-32) of HNF1A, which is defined as critical for the protein’s function by the ClinGen MDEP (PM1_Supporting). This variant is absent from gnomAD v2.1.1 and v4.1.0 (PM2_Supporting). Additionally, this variant is predicted to be deleterious by computational evidence, with a REVEL score of 0.937, which is greater than the MDEP VCEP threshold of 0.70 (PP3). This variant was identified in an individual with diabetes; however, the calculated MODY probability is <50% (internal lab contributors). In summary, c.47T>C meets the criteria to be classified as a variant of uncertain significance for monogenic diabetes. ACMG/AMP criteria applied, as specified by the ClinGen MDEP (specification version 2.1.0, approved 8/11/2023): PM1_Supporting, PM2_Supporting, PP3.